The following is an entry in ClinVar:

NM_015570.4(AUTS2):c.1774C>T (p.Pro592Ser)

Gene: AUTS2 (activator of transcription and developmental regulator AUTS2; plus strand). Cytogenetic location: 7q11.22.
Variant type: single nucleotide variant.
Coding change: c.1774C>T on transcript NM_015570.4 (MANE Select); coding-DNA position 1774, C replaced by T.
Protein change: p.Pro592Ser; replaces proline 592 with serine.
Molecular consequence: missense variant.
Genome position (GRCh38, 1-based): chr7:70,771,588, C>T. VCF-style: chr7-70771588-C-T. GRCh37 (hg19) VCF-style: chr7-70236574-C-T.
Other names: c.1774C>T (NM_015570.2); c.1774C>T, p.Pro592Ser (NM_001127231.3); short protein forms P592S.
Identifiers: ClinVar variation 2168316 (VCV002168316.20), dbSNP rs199756061, ClinGen allele CA4280780.

ClinVar aggregate classification (germline): Likely benign. Review status: criteria provided, multiple submitters, no conflicts (2 of 4 stars). 3 submissions from 3 submitters: Likely benign (3). Last evaluated 2025-11-05.

Conditions:
Inborn genetic diseases. Identifiers: MedGen C0950123, MeSH D030342.

gnomAD v4.1: 139 of 1,613,658 alleles (0.0086%); highest among the groups gnomAD compares: South Asian, 0.11%; no homozygotes.

Submissions (3):

Labcorp Genetics (formerly Invitae), Labcorp
Classification: Likely benign. Last evaluated: 2025-11-05. Review status: criteria provided, single submitter. Criteria: Invitae Variant Classification Sherloc (09022015). Collection method: clinical testing. Allele origin: germline.

CeGaT Center for Human Genetics Tuebingen
Classification: Likely benign. Last evaluated: 2024-11-01. Review status: criteria provided, single submitter. Criteria: CeGaT Center For Human Genetics Tuebingen Variant Classification Criteria Version 2. Collection method: clinical testing. Allele origin: germline. Affected: yes. Observed: 1 variant allele.
Comment: AUTS2: BS1

Ambry Genetics
Classification: Likely benign for Inborn genetic diseases. Last evaluated: 2023-02-14. Review status: criteria provided, single submitter. Criteria: Ambry Variant Classification Scheme 2023. Collection method: clinical testing. Allele origin: germline.